The following is an entry in ClinVar:

ClinVar aggregate classification (germline): Pathogenic (1 of 4 stars; one submission).

Conditions:
Leber congenital amaurosis 12 (LCA12). Identifiers: Orphanet 65, MedGen C1857743, MONDO:0012525, OMIM 610612.

Submission:

Labcorp Genetics (formerly Invitae), Labcorp
Classification: Pathogenic for Leber congenital amaurosis 12. Last evaluated: 2025-01-06. Review status: criteria provided, single submitter. Criteria: Invitae Variant Classification Sherloc (09022015). Collection method: clinical testing. Allele origin: germline.
Comment: This sequence change creates a premature translational stop signal (p.Glu27Glyfs*7) in the RD3 gene. It is expected to result in an absent or disrupted protein product. Loss-of-function variants in RD3 are known to be pathogenic (PMID: 23308101). This variant is not present in population databases (gnomAD no frequency). This variant has not been reported in the literature in individuals affected with RD3-related conditions. For these reasons, this variant has been classified as Pathogenic.

Literature cited by the submitters: PubMed 23308101.

NM_001164688.2(RD3):c.80_102del (p.Glu27fs)

Gene: RD3 (RD3 regulator of GUCY2D; minus strand). Cytogenetic location: 1q32.3.
Variant type: Deletion.
Coding change: c.80_102del on transcript NM_001164688.2 (MANE Select); coding-DNA positions 80 to 102, 23 bases deleted (AGACGCTTATGATGGAGCTGACG).
Protein change: p.Glu27fs; shifts the reading frame from glutamic acid 27.
Molecular consequence: frameshift variant.
Genome position (GRCh38, 1-based): chr1:211,481,314-211,481,336, CGTCAGCTCCATCATAAGCGTCT deleted on the plus strand (AGACGCTTATGATGGAGCTGACG on the coding strand, the reverse complement: RD3 is on the minus strand); deleting any 23 consecutive bases within chr1:211,481,314-211,481,337 gives the same sequence; the c. name uses the placement nearest the transcript's 3' end. VCF-style (leftmost placement, unchanged base first): chr1-211481313-CCGTCAGCTCCATCATAAGCGTCT-C. GRCh37 (hg19) VCF-style: chr1-211654655-CCGTCAGCTCCATCATAAGCGTCT-C.
Other names: c.80_102del, p.Glu27fs (NM_183059.3); short protein forms E27fs.
Identifiers: ClinVar variation 3663320 (VCV003663320.2).